The following is an entry in ClinVar:

ClinVar aggregate classification (germline): Conflicting classifications of pathogenicity. Review status: criteria provided, conflicting classifications (1 of 4 stars). 2 submissions from 2 submitters: Uncertain significance (1); Likely benign (1). Last evaluated 2023-11-28.

Conditions:
Progressive sclerosing poliodystrophy (MTDPS4A). Also called: ALPERS PROGRESSIVE INFANTILE POLIODYSTROPHY; NEURONAL DEGENERATION OF CHILDHOOD WITH LIVER DISEASE, PROGRESSIVE; Alpers-Huttenlocher Syndrome (AHS); Alpers Syndrome; Mitochondrial DNA Depletion Syndrome 4A; ALPERS DIFFUSE DEGENERATION OF CEREBRAL GRAY MATTER WITH HEPATIC CIRRHOSIS. Identifiers: Orphanet 726, MedGen C0205710, MONDO:0008758, OMIM 203700.

Allele frequency attached by ClinVar (database versions not stated): TOPMed below 0.00001; gnomAD 0.00001; ExAC 0.00007; gnomAD exomes 0.00008.
gnomAD v4.1: 41 of 1,613,556 alleles (0.0025%); highest among the groups gnomAD compares: South Asian, 0.036%; no homozygotes.

Submissions (2):

Labcorp Genetics (formerly Invitae), Labcorp
Classification: Uncertain significance for Progressive sclerosing poliodystrophy. Last evaluated: 2023-11-28. Review status: criteria provided, single submitter. Criteria: Invitae Variant Classification Sherloc (09022015). Collection method: clinical testing. Allele origin: germline.
Comment: This sequence change falls in intron 18 of the POLG gene. It does not directly change the encoded amino acid sequence of the POLG protein. It affects a nucleotide within the consensus splice site. This variant is present in population databases (rs538731397, gnomAD 0.07%). This variant has not been reported in the literature in individuals affected with POLG-related conditions. ClinVar contains an entry for this variant (Variation ID: 382531). Variants that disrupt the consensus splice site are a relatively common cause of aberrant splicing (PMID: 17576681, 9536098). Algorithms developed to predict the effect of sequence changes on RNA splicing suggest that this variant is not likely to affect RNA splicing. In summary, the available evidence is currently insufficient to determine the role of this variant in disease. Therefore, it has been classified as a Variant of Uncertain Significance.

GeneDx
Classification: Likely benign. Last evaluated: 2015-12-21. Review status: criteria provided, single submitter. Criteria: GeneDx Variant Classification (06012015). Collection method: clinical testing. Allele origin: germline. Affected: yes.
Comment: This variant is considered likely benign or benign based on one or more of the following criteria: it is a conservative change, it occurs at a poorly conserved position in the protein, it is predicted to be benign by multiple in silico algorithms, and/or has population frequency not consistent with disease.

Literature cited by the submitters: PubMed 17576681 (cited by Labcorp Genetics (formerly Invitae), Labcorp); PubMed 9536098 (cited by Labcorp Genetics (formerly Invitae), Labcorp).

NM_002693.3(POLG):c.2982-3C>T

Gene: POLG (DNA polymerase gamma, catalytic subunit; minus strand). Cytogenetic location: 15q26.1.
Variant type: single nucleotide variant.
Coding change: c.2982-3C>T on transcript NM_002693.3 (MANE Select); 3 bases into the intron before coding-DNA position 2982, C replaced by T.
Molecular consequence: intron variant.
Genome position (GRCh38, 1-based): chr15:89,319,353, G>A on the plus strand (C>T on the coding strand, the complement: POLG is on the minus strand). VCF-style: chr15-89319353-G-A. GRCh37 (hg19) VCF-style: chr15-89862584-G-A.
Other names: c.2982-3C>T (NM_001126131.2).
Identifiers: ClinVar variation 382531 (VCV000382531.12), dbSNP rs538731397, ClinGen allele CA7724285.